The following is an entry in ClinVar:

ClinVar aggregate classification (germline): Conflicting classifications of pathogenicity. Review status: criteria provided, conflicting classifications (1 of 4 stars). 7 submissions from 7 submitters: Uncertain significance (5); Likely benign (2). Last evaluated 2026-01-27.

Conditions:
Pyridoxine-dependent epilepsy (EPEO4). Also called: Pyridoxine-Dependent Epilepsy - ALDH7A1; Pyridoxine-Dependent Seizures; PYRIDOXINE DEPENDENCY WITH SEIZURES; EPILEPSY, EARLY-ONSET, 4, VITAMIN B6-DEPENDENT. Identifiers: Orphanet 3006, MedGen C1849508, MONDO:0009945, OMIM 266100. Disease mechanism: loss of function.

Allele frequency attached by ClinVar (database versions not stated): TOPMed 0.00002; 1000 Genomes Project 0.00040; gnomAD exomes 0.00040; ExAC 0.00044; 1000 Genomes Project 30x 0.00047.
gnomAD v4.1: 321 of 1,612,734 alleles (0.02%); highest among the groups gnomAD compares: South Asian, 0.34%; 2 homozygotes.

Submissions (7):

Labcorp Genetics (formerly Invitae), Labcorp
Classification: Likely benign for Pyridoxine-dependent epilepsy. Last evaluated: 2026-01-27. Review status: criteria provided, single submitter. Criteria: Invitae Variant Classification Sherloc (09022015). Collection method: clinical testing. Allele origin: germline.

Blueprint Genetics
Classification: Uncertain significance. Last evaluated: 2024-08-30. Review status: criteria provided, single submitter. Criteria: ACMG Guidelines, 2015. Collection method: clinical testing. Allele origin: germline.

GeneDx
Classification: Uncertain significance. Last evaluated: 2024-04-25. Review status: criteria provided, single submitter. Criteria: GeneDx Variant Classification Process June 2021. Collection method: clinical testing. Allele origin: germline. Affected: yes.
Comment: In silico analysis indicates that this missense variant does not alter protein structure/function; Has not been previously published as pathogenic or benign to our knowledge

Women's Health and Genetics/Laboratory Corporation of America, LabCorp
Classification: Likely benign. Last evaluated: 2024-04-04. Review status: criteria provided, single submitter. Criteria: LabCorp Variant Classification Summary - May 2015. Collection method: clinical testing. Allele origin: germline.
Comment: Variant summary: ALDH7A1 c.494G>C (p.Gly165Ala) results in a non-conservative amino acid change located in the Aldehyde dehydrogenase domain (IPR015590) of the encoded protein sequence. Three of five in-silico tools predict a benign effect of the variant on protein function. The variant allele was found at a frequency of 0.0004 in 251418 control chromosomes, predominantly at a frequency of 0.0032 within the South Asian subpopulation in the gnomAD database. The observed variant frequency within South Asian control individuals in the gnomAD database is approximately 1.8 fold of the estimated maximal expected allele frequency for a pathogenic variant in ALDH7A1 causing Pyridoxine-Dependent Epilepsy phenotype (0.0018), strongly suggesting that the variant is a benign polymorphism found primarily in populations of South Asian origin. To our knowledge, no occurrence of c.494G>C in individuals affected with Pyridoxine-Dependent Epilepsy and no experimental evidence demonstrating its impact on protein function have been reported. ClinVar contains an entry for this variant (Variation ID: 197721). Based on the evidence outlined above, the variant was classified as likely benign.

Revvity Omics, Revvity
Classification: Uncertain significance for Pyridoxine-dependent epilepsy. Last evaluated: 2023-11-02. Review status: criteria provided, single submitter. Criteria: ACMG Guidelines, 2015. Collection method: clinical testing. Allele origin: germline.

Illumina Laboratory Services, Illumina
Classification: Uncertain significance for Pyridoxine-dependent epilepsy. Last evaluated: 2018-01-13. Review status: criteria provided, single submitter. Criteria: ICSL Variant Classification Criteria 13 December 2019. Collection method: clinical testing. Allele origin: germline.

Eurofins Ntd Llc (ga)
Classification: Uncertain significance. Last evaluated: 2015-01-07. Review status: criteria provided, single submitter. Criteria: EGL Classification Definitions 2015. Collection method: clinical testing. Allele origin: germline. Observed: 1 variant allele, 1 heterozygote.

NM_001182.5(ALDH7A1):c.494G>C (p.Gly165Ala)

Gene: ALDH7A1 (aldehyde dehydrogenase 7 family member A1; minus strand). Cytogenetic location: 5q23.2.
Variant type: single nucleotide variant.
Coding change: c.494G>C on transcript NM_001182.5 (MANE Select); coding-DNA position 494, G replaced by C.
Protein change: p.Gly165Ala; replaces glycine 165 with alanine.
Molecular consequence: missense variant.
Genome position (GRCh38, 1-based): chr5:126,582,874, C>G on the plus strand (G>C on the coding strand, the complement: ALDH7A1 is on the minus strand). VCF-style: chr5-126582874-C-G. GRCh37 (hg19) VCF-style: chr5-125918566-C-G.
Other names: p.G165A:GGA>GCA; c.410G>C, p.Gly137Ala (NM_001201377.2); c.494G>C, p.Gly165Ala (NM_001202404.2); short protein forms G165A, G137A.
Identifiers: ClinVar variation 197721 (VCV000197721.22), dbSNP rs375491094, ClinGen allele CA303020.